The following is an entry in ClinVar:

ClinVar aggregate classification (germline): Uncertain significance (1 of 4 stars; one submission).

Submission:

Ambry Genetics
Classification: Uncertain significance. Last evaluated: 2025-01-06. Review status: criteria provided, single submitter. Criteria: Ambry Variant Classification Scheme 2023. Collection method: clinical testing. Allele origin: germline.
Comment: The p.K148R variant (also known as c.443A>G), located in coding exon 4 of the SRP72 gene, results from an A to G substitution at nucleotide position 443. The lysine at codon 148 is replaced by arginine, an amino acid with highly similar properties. This amino acid position is conserved. In addition, the in silico prediction for this alteration is inconclusive. Based on the available evidence, the clinical significance of this variant remains unclear.

NM_006947.4(SRP72):c.443A>G (p.Lys148Arg)

Gene: SRP72 (signal recognition particle 72; plus strand). Cytogenetic location: 4q12.
Variant type: single nucleotide variant.
Coding change: c.443A>G on transcript NM_006947.4 (MANE Select); coding-DNA position 443, A replaced by G.
Protein change: p.Lys148Arg; replaces lysine 148 with arginine.
Molecular consequence: missense variant. On other transcripts: non-coding transcript variant (1).
Genome position (GRCh38, 1-based): chr4:56,474,142, A>G. VCF-style: chr4-56474142-A-G. GRCh37 (hg19) VCF-style: chr4-57340308-A-G.
Other names: c.443A>G, p.Lys148Arg (NM_001267722.2); short protein forms K148R.
Identifiers: ClinVar variation 3801429 (VCV003801429.1).